The following is an entry in ClinVar:

NM_016222.4(DDX41):c.1586C>T (p.Thr529Ile)

Gene: DDX41 (DEAD-box helicase 41; minus strand). Cytogenetic location: 5q35.3.
Variant type: single nucleotide variant.
Coding change: c.1586C>T on transcript NM_016222.4 (MANE Select); coding-DNA position 1586, C replaced by T.
Protein change: p.Thr529Ile; replaces threonine 529 with isoleucine.
Molecular consequence: missense variant.
Genome position (GRCh38, 1-based): chr5:177,512,357, G>A on the plus strand (C>T on the coding strand, the complement: DDX41 is on the minus strand). VCF-style: chr5-177512357-G-A. GRCh37 (hg19) VCF-style: chr5-176939358-G-A.
Other names: c.1208C>T, p.Thr403Ile (NM_001321732.2, NM_001321830.2); short protein forms T529I, T403I.
Identifiers: ClinVar variation 4010276 (VCV004010276.1).

ClinVar aggregate classification (germline): Uncertain significance (1 of 4 stars; one submission).

Conditions:
Inborn genetic diseases. Identifiers: MedGen C0950123, MeSH D030342.

gnomAD v4.1: 1 of 1,614,014 alleles (0.000062%); highest among the groups gnomAD compares: South Asian, 0.0011%; no homozygotes.

Submission:

Ambry Genetics
Classification: Uncertain significance for Inborn genetic diseases. Last evaluated: 2025-03-19. Review status: criteria provided, single submitter. Criteria: Ambry Variant Classification Scheme 2023. Collection method: clinical testing. Allele origin: germline.
Comment: The p.T529I variant (also known as c.1586C>T), located in coding exon 15 of the DDX41 gene, results from a C to T substitution at nucleotide position 1586. The threonine at codon 529 is replaced by isoleucine, an amino acid with similar properties. This amino acid position is conserved. In addition, the in silico prediction for this alteration is inconclusive. Based on the available evidence, the clinical significance of this variant remains unclear.